The following is an entry in ClinVar:

ClinVar aggregate classification (germline): Uncertain significance (1 of 4 stars; one submission).

Allele frequency attached by ClinVar (database versions not stated): TOPMed below 0.00001; ExAC 0.00001.

Submission:

Labcorp Genetics (formerly Invitae), Labcorp
Classification: Uncertain significance. Last evaluated: 2023-07-07. Review status: criteria provided, single submitter. Criteria: Invitae Variant Classification Sherloc (09022015). Collection method: clinical testing. Allele origin: germline.
Comment: This sequence change replaces glycine, which is neutral and non-polar, with serine, which is neutral and polar, at codon 240 of the NFE2L2 protein (p.Gly240Ser). This variant is present in population databases (rs760780542, gnomAD 0.007%). This variant has not been reported in the literature in individuals affected with NFE2L2-related conditions. Advanced modeling of protein sequence and biophysical properties (such as structural, functional, and spatial information, amino acid conservation, physicochemical variation, residue mobility, and thermodynamic stability) performed at Invitae indicates that this missense variant is not expected to disrupt NFE2L2 protein function. In summary, the available evidence is currently insufficient to determine the role of this variant in disease. Therefore, it has been classified as a Variant of Uncertain Significance.

NM_006164.5(NFE2L2):c.718G>A (p.Gly240Ser)

Gene: NFE2L2 (NFE2 like bZIP transcription factor 2; minus strand). Cytogenetic location: 2q31.2.
Variant type: single nucleotide variant.
Coding change: c.718G>A on transcript NM_006164.5 (MANE Select); coding-DNA position 718, G replaced by A.
Protein change: p.Gly240Ser; replaces glycine 240 with serine.
Molecular consequence: missense variant.
Genome position (GRCh38, 1-based): chr2:177,231,885, C>T on the plus strand (G>A on the coding strand, the complement: NFE2L2 is on the minus strand). VCF-style: chr2-177231885-C-T. GRCh37 (hg19) VCF-style: chr2-178096613-C-T.
Other names: c.649G>A, p.Gly217Ser (NM_001145413.3); c.670G>A, p.Gly224Ser (NM_001313900.1, NM_001313901.1, NM_001145412.3); c.628G>A, p.Gly210Ser (NM_001313902.2); c.499G>A, p.Gly167Ser (NM_001313903.2); c.418G>A, p.Gly140Ser (NM_001313904.1); short protein forms G210S, G224S, G140S, G167S, G240S, G217S.
Identifiers: ClinVar variation 2878354 (VCV002878354.3), dbSNP rs760780542, ClinGen allele CA1979805.